The following is an entry in ClinVar:

NM_025099.6(CTC1):c.1300T>A (p.Phe434Ile)

Gene: CTC1 (CST telomere replication complex component 1; minus strand). Cytogenetic location: 17p13.1.
Variant type: single nucleotide variant.
Coding change: c.1300T>A on transcript NM_025099.6 (MANE Select); coding-DNA position 1300, T replaced by A.
Protein change: p.Phe434Ile; replaces phenylalanine 434 with isoleucine.
Molecular consequence: missense variant. On other transcripts: non-coding transcript variant (1).
Genome position (GRCh38, 1-based): chr17:8,235,192, A>T on the plus strand (T>A on the coding strand, the complement: CTC1 is on the minus strand). VCF-style: chr17-8235192-A-T. GRCh37 (hg19) VCF-style: chr17-8138510-A-T.
Other names: c.1300T>A, p.Phe434Ile (NM_001411067.1); short protein forms F434I.
Identifiers: ClinVar variation 3652959 (VCV003652959.2).

ClinVar aggregate classification (germline): Uncertain significance (1 of 4 stars; one submission).

Conditions:
Dyskeratosis congenita. Identifiers: Orphanet 1775, MedGen C0265965, MONDO:0015780.

Submission:

Labcorp Genetics (formerly Invitae), Labcorp
Classification: Uncertain significance for Dyskeratosis congenita. Last evaluated: 2024-06-16. Review status: criteria provided, single submitter. Criteria: Invitae Variant Classification Sherloc (09022015). Collection method: clinical testing. Allele origin: germline.
Comment: This sequence change replaces phenylalanine, which is neutral and non-polar, with isoleucine, which is neutral and non-polar, at codon 434 of the CTC1 protein (p.Phe434Ile). This variant is not present in population databases (gnomAD no frequency). This variant has not been reported in the literature in individuals affected with CTC1-related conditions. Advanced modeling of protein sequence and biophysical properties (such as structural, functional, and spatial information, amino acid conservation, physicochemical variation, residue mobility, and thermodynamic stability) performed at Invitae indicates that this missense variant is expected to disrupt CTC1 protein function with a positive predictive value of 80%. In summary, the available evidence is currently insufficient to determine the role of this variant in disease. Therefore, it has been classified as a Variant of Uncertain Significance.